The following is an entry in ClinVar:

ClinVar aggregate classification (germline): Likely benign. Review status: criteria provided, multiple submitters, no conflicts (2 of 4 stars). 2 submissions from 2 submitters: Likely benign (2). Last evaluated 2025-05-02.

Allele frequency attached by ClinVar (database versions not stated): TOPMed 0.00008; gnomAD 0.00007; ESP Exome Variant Server 0.00008; ExAC 0.00039; gnomAD exomes 0.00009.
gnomAD v4.1: 140 of 1,611,438 alleles (0.0087%); highest among the groups gnomAD compares: Non-Finnish European, 0.011%; no homozygotes.

Submissions (2):

Labcorp Genetics (formerly Invitae), Labcorp
Classification: Likely benign. Last evaluated: 2025-05-02. Review status: criteria provided, single submitter. Criteria: Invitae Variant Classification Sherloc (09022015). Collection method: clinical testing. Allele origin: germline.

Women's Health and Genetics/Laboratory Corporation of America, LabCorp
Classification: Likely benign. Last evaluated: 2024-07-30. Review status: criteria provided, single submitter. Criteria: LabCorp Variant Classification Summary - May 2015. Collection method: clinical testing. Allele origin: germline.
Comment: Variant summary: ADAMTS13 c.331-11C>T alters a non-conserved nucleotide located at a position not widely known to affect splicing. Consensus agreement among computation tools predict no significant impact on normal splicing. However, these predictions have yet to be confirmed by functional studies. The variant allele was found at a frequency of 0.00017 in 245832 control chromosomes. This frequency is not significantly higher than estimated for a pathogenic variant in ADAMTS13 causing Thrombotic Thrombocytopenic Purpura, allowing no conclusion about variant significance. To our knowledge, no occurrence of c.331-11C>T in individuals affected with Thrombotic Thrombocytopenic Purpura and no experimental evidence demonstrating its impact on protein function have been reported. ClinVar contains an entry for this variant (Variation ID: 2962232). Based on the evidence outlined above, the variant was classified as likely benign.

NM_139027.6(ADAMTS13):c.331-11C>T

Gene: ADAMTS13 (ADAM metallopeptidase with thrombospondin type 1 motif 13; plus strand). Cytogenetic location: 9q34.2.
Variant type: single nucleotide variant.
Coding change: c.331-11C>T on transcript NM_139027.6 (MANE Select); 11 bases into the intron before coding-DNA position 331, C replaced by T.
Molecular consequence: intron variant.
Genome position (GRCh38, 1-based): chr9:133,425,518, C>T. VCF-style: chr9-133425518-C-T. GRCh37 (hg19) VCF-style: chr9-136290638-C-T.
Other names: c.331-11C>T (NM_139025.5, NM_139026.6).
Identifiers: ClinVar variation 2962232 (VCV002962232.4), dbSNP rs372281376, ClinGen allele CA200881141.